The following is an entry in ClinVar:

ClinVar aggregate classification (germline): Uncertain significance (1 of 4 stars; one submission).

Allele frequency attached by ClinVar (database versions not stated): TOPMed 0.00001; ExAC 0.00002; gnomAD exomes 0.00002.
gnomAD v4.1: 23 of 1,604,296 alleles (0.0014%); highest among the groups gnomAD compares: Non-Finnish European, 0.0019%; no homozygotes.

Submission:

Labcorp Genetics (formerly Invitae), Labcorp
Classification: Uncertain significance. Last evaluated: 2022-05-27. Review status: criteria provided, single submitter. Criteria: Invitae Variant Classification Sherloc (09022015). Collection method: clinical testing. Allele origin: germline.
Comment: This sequence change replaces asparagine, which is neutral and polar, with lysine, which is basic and polar, at codon 58 of the ICK protein (p.Asn58Lys). This variant is present in population databases (rs779225984, gnomAD 0.005%). This variant has not been reported in the literature in individuals affected with ICK-related conditions. Algorithms developed to predict the effect of missense changes on protein structure and function are either unavailable or do not agree on the potential impact of this missense change (SIFT: "Deleterious"; PolyPhen-2: "Benign"; Align-GVGD: "Class C65"). In summary, the available evidence is currently insufficient to determine the role of this variant in disease. Therefore, it has been classified as a Variant of Uncertain Significance.

NM_014920.5(CILK1):c.174C>A (p.Asn58Lys)

Gene: CILK1 (ciliogenesis associated kinase 1; minus strand). Cytogenetic location: 6p12.1.
Variant type: single nucleotide variant.
Coding change: c.174C>A on transcript NM_014920.5 (MANE Select); coding-DNA position 174, C replaced by A.
Protein change: p.Asn58Lys; replaces asparagine 58 with lysine.
Molecular consequence: missense variant. On other transcripts: non-coding transcript variant (1).
Genome position (GRCh38, 1-based): chr6:53,032,637, G>T on the plus strand (C>A on the coding strand, the complement: CILK1 is on the minus strand). VCF-style: chr6-53032637-G-T. GRCh37 (hg19) VCF-style: chr6-52897435-G-T.
Other names: c.174C>A, p.Asn58Lys (NM_001375397.1, NM_001375398.1, NM_001375399.1 and 4 more transcripts); short protein forms N58K.
Identifiers: ClinVar variation 1680571 (VCV001680571.5), dbSNP rs779225984, ClinGen allele CA3858860.